The following is an entry in ClinVar:

ClinVar aggregate classification (germline): Likely benign (1 of 4 stars; one submission).

gnomAD v4.1: 312 of 1,612,362 alleles (0.019%); highest among the groups gnomAD compares: Middle Eastern, 0.099%; 2 homozygotes.

Submission:

CeGaT Center for Human Genetics Tuebingen
Classification: Likely benign. Last evaluated: 2025-12-01. Review status: criteria provided, single submitter. Criteria: CeGaT Center For Human Genetics Tuebingen Variant Classification Criteria Version 2. Collection method: clinical testing. Allele origin: germline. Affected: yes. Observed: 2 variant alleles.
Comment: TBX5: BP4

NM_181486.4(TBX5):c.982+24A>G

Gene: TBX5 (T-box transcription factor 5; minus strand). Cytogenetic location: 12q24.21.
Variant type: single nucleotide variant.
Coding change: c.982+24A>G on transcript NM_181486.4 (MANE Select); 24 bases into the intron after coding-DNA position 982, A replaced by G.
Molecular consequence: intron variant.
Genome position (GRCh38, 1-based): chr12:114,366,141, T>C on the plus strand (A>G on the coding strand, the complement: TBX5 is on the minus strand). VCF-style: chr12-114366141-T-C. GRCh37 (hg19) VCF-style: chr12-114803946-T-C.
Other names: c.832+24A>G (NM_080717.4); c.982+24A>G (NM_000192.3).
Identifiers: ClinVar variation 3257577 (VCV003257577.17).